The following is an entry in ClinVar:

NM_001458.5(FLNC):c.7651G>C (p.Asp2551His)

Genes: FLNC-AS1 (FLNC antisense RNA 1; minus strand), FLNC (filamin C; plus strand). Cytogenetic location: 7q32.1.
Variant type: single nucleotide variant.
Coding change: c.7651G>C on transcript NM_001458.5 (MANE Select); coding-DNA position 7651, G replaced by C.
Protein change: p.Asp2551His; replaces aspartic acid 2551 with histidine.
Molecular consequence: missense variant.
Genome position (GRCh38, 1-based): chr7:128,857,207, G>C. VCF-style: chr7-128857207-G-C. GRCh37 (hg19) VCF-style: chr7-128497261-G-C.
Other names: c.7552G>C, p.Asp2518His (NM_001127487.2); short protein forms D2551H, D2518H.
Identifiers: ClinVar variation 539438 (VCV000539438.12), dbSNP rs1187923021, ClinGen allele CA369219517.
Genomic context (GRCh38, chr7:128,857,207, plus strand): 5'-CTGAATGCCGGCTCGGGGGCCTTGTCTGTCACCATTGATGGCCCCTCCAAGGTGCAGCTG[G>C]ACTGTCGGGAGTGTCCTGAGGGCCATGTGGTCACTTATACTCCCATGGCCCCTGGCAACT-3'
Protein context (NP_001449.3, residues 2541-2561): TIDGPSKVQL[Asp2551His]CRECPEGHVV

ClinVar aggregate classification (germline): Uncertain significance. Review status: criteria provided, multiple submitters, no conflicts (2 of 4 stars). 2 submissions from 2 submitters: Uncertain significance (2). Last evaluated 2026-01-19.

Conditions:
Cardiovascular phenotype. Identifiers: MedGen CN230736.
Distal myopathy with posterior leg and anterior hand involvement. Also called: WILLIAMS DISTAL MYOPATHY. Identifiers: Orphanet 63273, MedGen C3279722, MONDO:0013550, OMIM 614065.
Myofibrillar myopathy 5. Also called: Filaminopathy (type); FILAMINOPATHY, AUTOSOMAL DOMINANT. Identifiers: Orphanet 171445, MedGen C1836050, MONDO:0012289, OMIM 609524.
Hypertrophic cardiomyopathy 26. Also called: Cardiomyopathy, familial hypertrophic, 26. Identifiers: Orphanet 75249, MedGen C4310749, MONDO:0014883, OMIM 617047.

Allele frequency attached by ClinVar (database versions not stated): gnomAD 0.00002; TOPMed 0.00002.
gnomAD v4.1: 6 of 1,614,016 alleles (0.00037%); highest among the groups gnomAD compares: African/African-American, 0.0013%; no homozygotes.

Submissions (2):

Labcorp Genetics (formerly Invitae), Labcorp
Classification: Uncertain significance for Distal myopathy with posterior leg and anterior hand involvement; Myofibrillar myopathy 5; Hypertrophic cardiomyopathy 26. Last evaluated: 2026-01-19. Review status: criteria provided, single submitter. Criteria: Invitae Variant Classification Sherloc (09022015). Collection method: clinical testing. Allele origin: germline.
Comment: This sequence change replaces aspartic acid, which is acidic and polar, with histidine, which is basic and polar, at codon 2551 of the FLNC protein (p.Asp2551His). This variant is not present in population databases (gnomAD no frequency). This variant has not been reported in the literature in individuals affected with FLNC-related conditions. ClinVar contains an entry for this variant (Variation ID: 539438). Invitae Evidence Modeling of protein sequence and biophysical properties (such as structural, functional, and spatial information, amino acid conservation, physicochemical variation, residue mobility, and thermodynamic stability) indicates that this missense variant is not expected to disrupt FLNC protein function with a negative predictive value of 95%. In summary, the available evidence is currently insufficient to determine the role of this variant in disease. Therefore, it has been classified as a Variant of Uncertain Significance.

Ambry Genetics
Classification: Uncertain significance for Cardiovascular phenotype. Last evaluated: 2025-05-24. Review status: criteria provided, single submitter. Criteria: Ambry Variant Classification Scheme 2023. Collection method: clinical testing. Allele origin: germline.
Comment: The p.D2551H variant (also known as c.7651G>C), located in coding exon 46 of the FLNC gene, results from a G to C substitution at nucleotide position 7651. The aspartic acid at codon 2551 is replaced by histidine, an amino acid with similar properties. This amino acid position is highly conserved in available vertebrate species. In addition, this alteration is predicted to be deleterious by in silico analysis. Since supporting evidence is limited at this time, the clinical significance of this alteration remains unclear.